The following is an entry in ClinVar:

NM_006279.5(ST3GAL3):c.958G>A (p.Ala320Thr)

Gene: ST3GAL3 (ST3 beta-galactoside alpha-2,3-sialyltransferase 3; plus strand). Cytogenetic location: 1p34.1.
Variant type: single nucleotide variant.
Coding change: c.958G>A on transcript NM_006279.5 (MANE Select); coding-DNA position 958, G replaced by A.
Protein change: p.Ala320Thr; replaces alanine 320 with threonine.
Molecular consequence: missense variant. On other transcripts: non-coding transcript variant (6), intron variant (11).
Genome position (GRCh38, 1-based): chr1:43,920,848, G>A. VCF-style: chr1-43920848-G-A. GRCh37 (hg19) VCF-style: chr1-44386520-G-A.
Other names: c.868G>A, p.Ala290Thr (NM_001270459.2); c.865G>A, p.Ala289Thr (NM_001270460.2); c.1003G>A, p.Ala335Thr (NM_001350619.2, NM_174964.4); c.958G>A, p.Ala320Thr (NM_001350620.2); c.679G>A, p.Ala227Thr (NM_001350621.2); c.1165G>A, p.Ala389Thr (NM_174963.5); c.1120G>A, p.Ala374Thr (NM_174968.5); c.910G>A, p.Ala304Thr (NM_174969.4); and 12 more; short protein forms A289T, A227T, A320T, A290T, A304T, A335T, A358T, A374T.
Identifiers: ClinVar variation 660476 (VCV000660476.2), dbSNP rs1557563410, ClinGen allele CA340032783.

ClinVar aggregate classification (germline): Uncertain significance (1 of 4 stars; one submission).

Conditions:
Developmental and epileptic encephalopathy. Identifiers: MedGen C5779964, MONDO:0100620.

Allele frequency attached by ClinVar (database versions not stated): gnomAD 0.00001; gnomAD exomes below 0.00001.
gnomAD v4.1: 7 of 1,613,864 alleles (0.00043%); highest among the groups gnomAD compares: South Asian, 0.0011%; no homozygotes.

Submission:

Labcorp Genetics (formerly Invitae), Labcorp
Classification: Uncertain significance for Early infantile epileptic encephalopathy with suppression bursts. Last evaluated: 2018-09-12. Review status: criteria provided, single submitter. Criteria: Invitae Variant Classification Sherloc (09022015). Collection method: clinical testing. Allele origin: germline.
Comment: This sequence change replaces alanine with threonine at codon 320 of the ST3GAL3 protein (p.Ala320Thr). The alanine residue is moderately conserved and there is a small physicochemical difference between alanine and threonine. This variant is not present in population databases (ExAC no frequency). This variant has been reported to segregate with West syndrome in a single family (PMID: 23252400). Experimental studies have shown that this missense change leads to reduced enzyme abundance and abolishes enzymatic activity in vitro (PMID: 23252400). In summary, this variant is a rare missense that has been shown to impair protein function. While it is absent from the population and reported in an affected family, the available evidence is currently insufficient to determine its role in disease. Therefore, it has been classified as a Variant of Uncertain Significance.

Literature cited by the submitters: PubMed 23252400.